The following is an entry in ClinVar:

ClinVar aggregate classification (germline): Pathogenic (1 of 4 stars; one submission).

Conditions:
DCDC2-related disorder. Also called: DCDC2-related condition.

Submission:

3billion
Classification: Pathogenic for DCDC2-related disorder. Last evaluated: 2024-06-20. Review status: criteria provided, single submitter. Criteria: ACMG Guidelines, 2015. Collection method: clinical testing. Allele origin: germline. Affected: yes.
Comment: The variant is not observed in the gnomAD v4.0.0 dataset. Predicted Consequence/Location: Canonical splice site: predicted to alter splicing and result in a loss or disruption of normal protein function. Multiple pathogenic loss-of-function variants are reported downstream of the variant. In silico tools predict the variant to alter splicing and produce an abnormal transcript [SpliceAI: 0.88 (spliceogenicity >=0.2, non-spliceogenicity <0.1)]. The variant has been reported to be associated with DCDC2-related disorder (ClinVar ID: VCV001687593). Therefore, this variant is classified as Pathogenic according to the recommendation of ACMG/AMP guideline.

NM_016356.5(DCDC2):c.557+1G>T

Gene: DCDC2 (doublecortin domain containing 2; minus strand). Cytogenetic location: 6p22.3.
Variant type: single nucleotide variant.
Coding change: c.557+1G>T on transcript NM_016356.5 (MANE Select); the canonical splice donor site of the intron after coding-DNA position 557, G replaced by T.
Molecular consequence: splice donor variant.
Genome position (GRCh38, 1-based): chr6:24,301,714, C>A on the plus strand (G>T on the coding strand, the complement: DCDC2 is on the minus strand). VCF-style: chr6-24301714-C-A. GRCh37 (hg19) VCF-style: chr6-24301942-C-A.
Other names: c.557+1G>T (NM_001195610.2).
Identifiers: ClinVar variation 1687593 (VCV001687593.2), dbSNP rs763299947, ClinGen allele CA363280885.